The following is an entry in ClinVar:

ClinVar aggregate classification (germline): Uncertain significance. Review status: criteria provided, multiple submitters, no conflicts (2 of 4 stars). 2 submissions from 2 submitters: Uncertain significance (2). Last evaluated 2024-08-13.

Conditions:
Congenital contractural arachnodactyly (CCA). Also called: Beals-Hecht syndrome; Arthrogryposis, distal, type 9; BEALS SYNDROME. Identifiers: Orphanet 115, MedGen C0220668, MONDO:0007363, OMIM 121050.

Submissions (2):

Labcorp Genetics (formerly Invitae), Labcorp
Classification: Uncertain significance for Congenital contractural arachnodactyly. Last evaluated: 2024-08-13. Review status: criteria provided, single submitter. Criteria: Invitae Variant Classification Sherloc (09022015). Collection method: clinical testing. Allele origin: germline.
Comment: This sequence change replaces aspartic acid, which is acidic and polar, with valine, which is neutral and non-polar, at codon 2138 of the FBN2 protein (p.Asp2138Val). This variant is not present in population databases (gnomAD no frequency). This variant has not been reported in the literature in individuals affected with FBN2-related conditions. Invitae Evidence Modeling of protein sequence and biophysical properties (such as structural, functional, and spatial information, amino acid conservation, physicochemical variation, residue mobility, and thermodynamic stability) indicates that this missense variant is not expected to disrupt FBN2 protein function with a negative predictive value of 80%. In summary, the available evidence is currently insufficient to determine the role of this variant in disease. Therefore, it has been classified as a Variant of Uncertain Significance.

Women's Health and Genetics/Laboratory Corporation of America, LabCorp
Classification: Uncertain significance. Last evaluated: 2024-04-21. Review status: criteria provided, single submitter. Criteria: LabCorp Variant Classification Summary - May 2015. Collection method: clinical testing. Allele origin: germline.

NM_001999.4(FBN2):c.6413A>T (p.Asp2138Val)

Gene: FBN2 (fibrillin 2; minus strand). Cytogenetic location: 5q23.3.
Variant type: single nucleotide variant.
Coding change: c.6413A>T on transcript NM_001999.4 (MANE Select); coding-DNA position 6413, A replaced by T.
Protein change: p.Asp2138Val; replaces aspartic acid 2138 with valine.
Molecular consequence: missense variant.
Genome position (GRCh38, 1-based): chr5:128,290,764, T>A on the plus strand (A>T on the coding strand, the complement: FBN2 is on the minus strand). VCF-style: chr5-128290764-T-A. GRCh37 (hg19) VCF-style: chr5-127626456-T-A.
Other names: short protein forms D2138V.
Identifiers: ClinVar variation 3251829 (VCV003251829.3), dbSNP rs2479682220.